The following is an entry in ClinVar:

NM_022173.4(TIA1):c.277+6T>G

Gene: TIA1 (TIA1 cytotoxic granule associated RNA binding protein; minus strand). Cytogenetic location: 2p13.3.
Variant type: single nucleotide variant.
Coding change: c.277+6T>G on transcript NM_022173.4 (MANE Select); 6 bases into the intron after coding-DNA position 277, T replaced by G.
Molecular consequence: intron variant.
Genome position (GRCh38, 1-based): chr2:70,229,258, A>C on the plus strand (T>G on the coding strand, the complement: TIA1 is on the minus strand). VCF-style: chr2-70229258-A-C. GRCh37 (hg19) VCF-style: chr2-70456390-A-C.
Other names: c.166+6T>G (NM_001351513.1, NM_001351511.1); c.172+6T>G (NM_001351512.1); c.82+6T>G (NM_001351514.2, NM_001351523.2); c.-144+6T>G (NM_001351524.2); c.-367+6T>G (NM_001351517.2); c.277+6T>G (NM_001351510.2, NM_022037.4, NM_001351508.2 and 5 more transcripts); c.-177+6T>G (NM_001351525.2); c.-113+6T>G (NM_001351515.2); and 1 more.
Identifiers: ClinVar variation 1037062 (VCV001037062.8), dbSNP rs1685072494, ClinGen allele CA1259473778.

ClinVar aggregate classification (germline): Uncertain significance (1 of 4 stars; one submission).

Conditions:
Welander distal myopathy (WDM). Also called: MUSCULAR DYSTROPHY, DISTAL, LATE-ONSET, AUTOSOMAL DOMINANT; Welander distal myopathy, Swedish type; Distal myopathy, Swedish type; Gower's muscular dystrophy. Identifiers: Orphanet 603, MedGen C0221054, MONDO:0011466, OMIM 604454.

Submission:

Labcorp Genetics (formerly Invitae), Labcorp
Classification: Uncertain significance for Welander distal myopathy. Last evaluated: 2020-06-13. Review status: criteria provided, single submitter. Criteria: Invitae Variant Classification Sherloc (09022015). Collection method: clinical testing. Allele origin: germline.
Comment: This sequence change falls in intron 4 of the TIA1 gene. It does not directly change the encoded amino acid sequence of the TIA1 protein, but it affects a nucleotide within the consensus splice site of the intron. This variant is not present in population databases (ExAC no frequency). This variant has not been reported in the literature in individuals with TIA1-related conditions. Nucleotide substitutions within the consensus splice site are a relatively common cause of aberrant splicing (PMID: 17576681, 9536098). Algorithms developed to predict the effect of sequence changes on RNA splicing suggest that this variant may disrupt the consensus splice site, but this prediction has not been confirmed by published transcriptional studies. In summary, the available evidence is currently insufficient to determine the role of this variant in disease. Therefore, it has been classified as a Variant of Uncertain Significance.

Literature cited by the submitters: PubMed 17576681; PubMed 9536098.